The following is an entry in ClinVar:

ClinVar aggregate classification (germline): Likely benign. Review status: reviewed by expert panel (3 of 4 stars). 6 submissions from 6 submitters: Likely benign (1). 5 of the submissions do not count toward it. Last evaluated 2025-12-19.

Conditions:
PIK3CD-related disorder. Also called: PIK3CD-related condition.
Immunodeficiency 14 (IMD14A). Also called: Activated PI3K Delta Syndrome Type 1 (APDS1); ACTIVATED PI3K-DELTA SYNDROME 1; p110-DELTA-ACTIVATING MUTATION CAUSING SENESCENT T CELLS, LYMPHADENOPATHY, AND IMMUNODEFICIENCY; IMMUNODEFICIENCY 14A WITH LYMPHOPROLIFERATION, AUTOSOMAL DOMINANT. Identifiers: Orphanet 397596, Orphanet 693661, MedGen C5907821, MONDO:0014222, OMIM 615513.

Allele frequency attached by ClinVar (database versions not stated): 1000 Genomes Project 30x 0.00047; TOPMed 0.00051; 1000 Genomes Project 0.00060; ESP Exome Variant Server 0.00069; gnomAD exomes 0.00090 and 0.00118; gnomAD 0.00115 and 0.00117; ExAC 0.00145.
gnomAD v4.1: 1,463 of 1,582,446 alleles (0.092%); highest among the groups gnomAD compares: Non-Finnish European, 0.086%; 1 homozygote.

Submissions (6):

ClinGen Primary Immune Regulatory Disorders Variant Curation Expert Panel, ClinGen
Classification: Likely benign for Immunodeficiency 14. Last evaluated: 2025-12-19. Review status: reviewed by expert panel. Criteria: ClinGen AbDef ACMG Specifications PIK3CD V1.0.0. Collection method: curation. Allele origin: germline. Inheritance: Autosomal dominant inheritance.
Comment: NM_005026.5(PIK3CD):c.436T>A (p.Phe146Ile) is a missense variant that causes substitution of phenylalanine by isoleucine at amino acid 146. This variant is present in gnomAD v.4.1.0 at a GrpMax allele frequency of 0.0008191 with 1,003 alleles / 1,161,640 total alleles in the European (non-Finnish) population, which is higher than the ClinGen Antibody Deficiencies VCEP BS1 threshold of >0.000316 (BS1). This variant has been reported in 1 proband with a phenotype that includes a diagnosis of common variable immunodeficiency, with immune thrombocytopenia (1 pt), but other clinical details are not reported, so the patient cannot be included in PS4_Supporting. The patient also harbors the NM_005026.5(PIK3CD):c.1073T>C (p.Val358Ala) variant in the heterozygous state (1 total point, PMID: 37670184). The computational predictor REVEL gives a score of 0.165, which is below the ClinGen Antibody Deficiencies VCEP threshold of <0.290 and predicts a non-damaging effect on PIK3CD function. The computational predictor CADD gives a PHRED score of 20.2, which is below the ClinGen Antibody Deficiencies VCEP threshold of <22.7 and predicts a non-deleterious effect on PIK3CD function. The two predictors agree on a non-damaging effect (BP4). In summary, this variant meets the criteria to be classified as likely benign for autosomal dominant immunodeficiency 14 based on the ACMG/AMP criteria applied, as specified by the ClinGen Antibody Deficiencies VCEP: BS1 and BP4. (VCEP specifications version 1.0.0).

Labcorp Genetics (formerly Invitae), Labcorp
Classification: Benign for Activated PI3K-delta syndrome. Last evaluated: 2026-01-18. Review status: criteria provided, single submitter. Criteria: Invitae Variant Classification Sherloc (09022015). Collection method: clinical testing. Allele origin: germline. Not counted in ClinVar's aggregate classification.

PreventionGenetics, part of Exact Sciences
Classification: Likely benign for PIK3CD-related condition. Last evaluated: 2025-06-24. Review status: criteria provided, single submitter. Criteria: ACMG Guidelines, 2015. Collection method: clinical testing. Allele origin: germline. Not counted in ClinVar's aggregate classification.
Comment: This variant is classified as likely benign based on ACMG/AMP sequence variant interpretation guidelines (Richards et al. 2015 PMID: 25741868, with internal and published modifications).

Blueprint Genetics
Classification: Likely benign. Last evaluated: 2024-11-22. Review status: criteria provided, single submitter. Criteria: ACMG Guidelines, 2015. Collection method: clinical testing. Allele origin: germline. Not counted in ClinVar's aggregate classification.

CeGaT Center for Human Genetics Tuebingen
Classification: Likely benign. Last evaluated: 2024-03-01. Review status: criteria provided, single submitter. Criteria: CeGaT Center For Human Genetics Tuebingen Variant Classification Criteria Version 2. Collection method: clinical testing. Allele origin: germline. Affected: yes. Observed: 5 variant alleles. Not counted in ClinVar's aggregate classification.
Comment: PIK3CD: PP2, BS1

Genetic Services Laboratory, University of Chicago
Classification: Benign. Last evaluated: 2019-12-06. Review status: criteria provided, single submitter. Criteria: ACMG Guidelines, 2015. Collection method: clinical testing. Allele origin: germline. Affected: no. Not counted in ClinVar's aggregate classification.

NM_005026.5(PIK3CD):c.436T>A (p.Phe146Ile)

Gene: PIK3CD (phosphatidylinositol-4,5-bisphosphate 3-kinase catalytic subunit delta; plus strand). Cytogenetic location: 1p36.22.
Variant type: single nucleotide variant.
Coding change: c.436T>A on transcript NM_005026.5 (MANE Select); coding-DNA position 436, T replaced by A.
Protein change: p.Phe146Ile; replaces phenylalanine 146 with isoleucine.
Molecular consequence: missense variant.
Genome position (GRCh38, 1-based): chr1:9,715,914, T>A. VCF-style: chr1-9715914-T-A. GRCh37 (hg19) VCF-style: chr1-9775972-T-A.
Other names: NM_005026.5(PIK3CD):c.436T>A; p.Phe146Ile; c.436T>A (LRG_191t1); c.436T>A, p.Phe146Ile (NM_001350234.2, NM_001350235.1); short protein forms F146I.
Identifiers: ClinVar variation 474031 (VCV000474031.51), dbSNP rs142285826, ClinGen allele CA576875.